The following is an entry in ClinVar:

ClinVar aggregate classification (germline): Likely benign. Review status: criteria provided, multiple submitters, no conflicts (2 of 4 stars). 2 submissions from 2 submitters: Likely benign (2). Last evaluated 2024-04-16.

Allele frequency attached by ClinVar (database versions not stated): ExAC 0.00005; gnomAD 0.00010; TOPMed 0.00014; ESP Exome Variant Server 0.00023.
gnomAD v4.1: 37 of 1,614,064 alleles (0.0023%); highest among the groups gnomAD compares: African/African-American, 0.039%; no homozygotes.

Submissions (2):

Labcorp Genetics (formerly Invitae), Labcorp
Classification: Likely benign. Last evaluated: 2024-04-16. Review status: criteria provided, single submitter. Criteria: Invitae Variant Classification Sherloc (09022015). Collection method: clinical testing. Allele origin: germline.

CeGaT Center for Human Genetics Tuebingen
Classification: Likely benign. Last evaluated: 2023-04-01. Review status: criteria provided, single submitter. Criteria: CeGaT Center For Human Genetics Tuebingen Variant Classification Criteria Version 2. Collection method: clinical testing. Allele origin: germline. Affected: yes. Observed: 1 variant allele.
Comment: AUTS2: BP4, BP7

NM_015570.4(AUTS2):c.2325C>T (p.Phe775=)

Gene: AUTS2 (activator of transcription and developmental regulator AUTS2; plus strand). Cytogenetic location: 7q11.22.
Variant type: single nucleotide variant.
Coding change: c.2325C>T on transcript NM_015570.4 (MANE Select); coding-DNA position 2325, C replaced by T.
Protein change: p.Phe775=; no amino-acid change (phenylalanine 775 retained).
Molecular consequence: synonymous variant.
Genome position (GRCh38, 1-based): chr7:70,787,225, C>T. VCF-style: chr7-70787225-C-T. GRCh37 (hg19) VCF-style: chr7-70252211-C-T.
Other names: c.2253C>T, p.Phe751= (NM_001127231.3).
Identifiers: ClinVar variation 2657534 (VCV002657534.27), dbSNP rs141832494, ClinGen allele CA4281038.